The following is an entry in ClinVar:

NM_000260.4(MYO7A):c.881A>G (p.Asp294Gly)

Gene: MYO7A (myosin VIIA; plus strand). Cytogenetic location: 11q13.5.
Variant type: single nucleotide variant.
Coding change: c.881A>G on transcript NM_000260.4 (MANE Select); coding-DNA position 881, A replaced by G.
Protein change: p.Asp294Gly; replaces aspartic acid 294 with glycine.
Molecular consequence: missense variant.
Genome position (GRCh38, 1-based): chr11:77,158,308, A>G. VCF-style: chr11-77158308-A-G. GRCh37 (hg19) VCF-style: chr11-76869354-A-G.
Other names: c.881A>G, p.Asp294Gly (NM_001127180.2); c.848A>G, p.Asp283Gly (NM_001369365.1); short protein forms D283G, D294G.
Identifiers: ClinVar variation 3356099 (VCV003356099.1).

ClinVar aggregate classification (germline): Uncertain significance (0 of 4 stars; one submission).

Conditions:
MYO7A-related disorder. Also called: MYO7A-related disorders.

gnomAD v4.1: 6 of 1,610,520 alleles (0.00037%); highest among the groups gnomAD compares: South Asian, 0.0066%; no homozygotes.

Submission:

PreventionGenetics, part of Exact Sciences
Classification: Uncertain significance for MYO7A-related condition. Last evaluated: 2024-07-24. Review status: no assertion criteria provided. Collection method: clinical testing. Allele origin: germline.
Comment: The MYO7A c.881A>G variant is predicted to result in the amino acid substitution p.Asp294Gly. To our knowledge, this variant has not been reported in the literature. This variant is reported in 0.0099% of alleles in individuals of South Asian descent in gnomAD. At this time, the clinical significance of this variant is uncertain due to the absence of conclusive functional and genetic evidence.